The following is an entry in ClinVar:

Single allele

Gene: DMD (dystrophin; minus strand). Cytogenetic location: Xp21.1.
Variant type: Deletion.
Identifiers: ClinVar variation 1256411 (VCV001256411.3).

ClinVar aggregate classification (germline): Pathogenic (1 of 4 stars; one submission).

Submission:

Athena Diagnostics
Classification: Pathogenic. Last evaluated: 2023-05-19. Review status: criteria provided, single submitter. Criteria: Athena Diagnostics Criteria. Collection method: clinical testing. Allele origin: unknown.
Comment: This variant is expected to result in the loss of a functional protein. Similar deletions of exons 45-50 have been reported in multiple unrelated individuals with DMD. At least one BMD case has also been reported (PMID: 28116794). Similar variants have not been reported in large, multi-ethnic general populations (Genome Aggregation Database (gnomAD), Cambridge, MA (URL)).

Literature cited by the submitters: PubMed 22090376; PubMed 19449031; PubMed 19937601; PubMed 9800909; PubMed 28116794; PubMed 32358784; PubMed 36315559; PubMed 31705731; PubMed 34149409; PubMed 33843695; PubMed 32194622; PubMed 34925456; PubMed 31139960; PubMed 28332368; PubMed 31081998; PubMed 33101180; PubMed 19367636; PubMed 26968818; PubMed 34297739; PubMed 35501714; PubMed 31727011; PubMed 27750387; PubMed 32169422; PubMed 33960727; PubMed 31381525.